The following is an entry in ClinVar:

ClinVar aggregate classification (germline): Uncertain significance (1 of 4 stars; one submission).

Allele frequency attached by ClinVar (database versions not stated): gnomAD exomes below 0.00001.
gnomAD v4.1: 2 of 1,614,076 alleles (0.00012%); no homozygotes.

Submission:

GeneDx
Classification: Uncertain significance. Last evaluated: 2024-11-20. Review status: criteria provided, single submitter. Criteria: GeneDx Variant Classification Process June 2021. Collection method: clinical testing. Allele origin: germline. Affected: yes.
Comment: Not observed at significant frequency in large population cohorts (gnomAD); In silico analysis supports that this missense variant has a deleterious effect on protein structure/function; Has not been previously published as pathogenic or benign to our knowledge

NM_000884.3(IMPDH2):c.1471G>C (p.Glu491Gln)

Gene: IMPDH2 (inosine monophosphate dehydrogenase 2; minus strand). Cytogenetic location: 3p21.31.
Variant type: single nucleotide variant.
Coding change: c.1471G>C on transcript NM_000884.3 (MANE Select); coding-DNA position 1471, G replaced by C.
Protein change: p.Glu491Gln; replaces glutamic acid 491 with glutamine.
Molecular consequence: missense variant.
Genome position (GRCh38, 1-based): chr3:49,024,547, C>G on the plus strand (G>C on the coding strand, the complement: IMPDH2 is on the minus strand). VCF-style: chr3-49024547-C-G. GRCh37 (hg19) VCF-style: chr3-49061980-C-G.
Other names: c.1543G>C, p.Glu515Gln (NM_001410759.1); c.1468G>C, p.Glu490Gln (NM_001410760.1); c.1396G>C, p.Glu466Gln (NM_001410761.1); short protein forms E466Q, E490Q, E491Q, E515Q.
Identifiers: ClinVar variation 2505613 (VCV002505613.3), dbSNP rs2093188716, ClinGen allele CA352732990.